The following is an entry in ClinVar:

ClinVar aggregate classification (germline): Pathogenic (1 of 4 stars; one submission).

Conditions:
Neurofibromatosis, type 1 (NF1). Also called: VON RECKLINGHAUSEN DISEASE; NEUROFIBROMATOSIS, TYPE I, SOMATIC; Peripheral type neurofibromatosis; Neurofibromatosis, type I. Identifiers: Orphanet 636, MedGen C0027831, MONDO:0018975, OMIM 162200. Disease mechanism: loss of function.

Submission:

Labcorp Genetics (formerly Invitae), Labcorp
Classification: Pathogenic for Neurofibromatosis, type 1. Last evaluated: 2017-10-10. Review status: criteria provided, single submitter. Criteria: Invitae Variant Classification Sherloc (09022015). Collection method: clinical testing. Allele origin: germline.
Comment: This sequence change creates a premature translational stop signal (p.Arg304*) in the NF1 gene. It is expected to result in an absent or disrupted protein product. For these reasons, this variant has been classified as Pathogenic. Loss-of-function variants in NF1 are known to be pathogenic (PMID: 10712197, 23913538). Experimental studies for the c.910C>T variant have shown that, instead of creating a truncated protein, it causes skipping of exon 9 (also known as exon 7 in the literature). This creates a smaller transcript that lacks these codons and is expressed at a decreased amount when compared to wild-type transcript (PMID: 9463322, 10874316). Experimental studies are not available for the c.909_910delACinsTT variant and it is unclear if it will also result in a similar disruption to mRNA splicing. However, either way, it is expected to result in an absent or disrupted protein product. This variant has not been reported in the literature in individuals with NF1-related disease. However, a different variant (c.910C>T) giving rise to the same protein effect observed here (p.Arg304*) has been reported in many individuals affected with neurofibromatosis, type 1 (PMID: 23668869, 16786508, 23913538, 10862084) and has been determined to be Pathogenic. This variant is not present in population databases (ExAC no frequency).

Literature cited by the submitters: PubMed 10712197; PubMed 23913538; PubMed 9463322; PubMed 10874316; PubMed 23668869; PubMed 16786508; PubMed 10862084.

NM_001042492.3(NF1):c.909_910delinsTT (p.Arg304Ter)

Gene: NF1 (neurofibromin 1; plus strand). Cytogenetic location: 17q11.2.
Variant type: Indel.
Coding change: c.909_910delinsTT on transcript NM_001042492.3 (MANE Select); coding-DNA positions 909 to 910, AC replaced by TT.
Protein change: p.Arg304Ter; replaces arginine 304 with a stop codon.
Molecular consequence: nonsense.
Genome position (GRCh38, 1-based): chr17:31,200,442-31,200,443, AC replaced by TT. VCF-style: chr17-31200442-AC-TT. GRCh37 (hg19) VCF-style: chr17-29527460-AC-TT.
Other names: c.909_910delACinsTT (NM_000267.3); c.909_910delACinsTT, p.Arg304Ter (NM_000267.4); c.909_910delinsTT, p.Arg304Ter (NM_001128147.3); short protein forms R304*.
Identifiers: ClinVar variation 527594 (VCV000527594.5), dbSNP rs1555610854, ClinGen allele CA658798749.